The following is an entry in ClinVar:

ClinVar aggregate classification (germline): Uncertain significance (1 of 4 stars; one submission).

Submission:

Clinical Genomics Laboratory, Laboratory for Precision Diagnostics, University of Washington
Classification: Uncertain significance. Last evaluated: 2017-10-19. Review status: criteria provided, single submitter. Criteria: Clinical Cytogenomics Laboratory Policy on CNV Interpretation. Collection method: clinical testing. Allele origin: unknown. Affected: yes. Observed: 1 variant allele.

Literature cited by the submitters: PubMed 22922608; PubMed 21359847; PubMed 24821083; PubMed 27566550.

GRCh37/hg19 15q11.2(chr15:22753733-23226254)x3

Genes: CYFIP1 (cytoplasmic FMR1 interacting protein 1; minus strand), NIPA1 (NIPA magnesium transporter 1; plus strand), NIPA2 (NIPA magnesium transporter 2; plus strand), TUBGCP5 (tubulin gamma complex component 5; minus strand). Cytogenetic location: 15q11.2.
Variant type: copy number gain.
Change: copy number 3 (three copies instead of two) of chr15:22,753,733-23,226,254 (472.5 kb, GRCh37 coordinates, 1-based), cytogenetic band 15q11.2.
Identifiers: ClinVar variation 548968 (VCV000548968.3).